The following is an entry in ClinVar:

NM_019066.5(MAGEL2):c.1421A>T (p.Gln474Leu)

Gene: MAGEL2 (MAGE family member L2; minus strand). Cytogenetic location: 15q11.2.
Variant type: single nucleotide variant.
Coding change: c.1421A>T on transcript NM_019066.5 (MANE Select); coding-DNA position 1421, A replaced by T.
Protein change: p.Gln474Leu; replaces glutamine 474 with leucine.
Molecular consequence: missense variant.
Genome position (GRCh38, 1-based): chr15:23,646,322, T>A on the plus strand (A>T on the coding strand, the complement: MAGEL2 is on the minus strand). VCF-style: chr15-23646322-T-A. GRCh37 (hg19) VCF-style: chr15-23891469-T-A.
Other names: short protein forms Q474L.
Identifiers: ClinVar variation 2709088 (VCV002709088.3), dbSNP rs1162891024, ClinGen allele CA391334077.
Genomic context (GRCh38, chr15:23,646,322, plus strand): 5'-CGGATCAGCGGCGGGGCCTGGCGGATCACAGGTGGAGCCTGGCGGATCACAGGTGGGGCC[T>A]GGCGGATCACAGGTGGGGCCTGGCGGATCACAGCGGGGGCCTGGCGGATCACGGGTGGGG-3'
Protein context (NP_061939.3, residues 464-484): VIRQAPPVIR[Gln474Leu]APPVIRQAPP

ClinVar aggregate classification (germline): Uncertain significance (1 of 4 stars; one submission).

Submission:

Labcorp Genetics (formerly Invitae), Labcorp
Classification: Uncertain significance. Last evaluated: 2024-07-29. Review status: criteria provided, single submitter. Criteria: Invitae Variant Classification Sherloc (09022015). Collection method: clinical testing. Allele origin: germline.
Comment: This sequence change replaces glutamine, which is neutral and polar, with leucine, which is neutral and non-polar, at codon 474 of the MAGEL2 protein (p.Gln474Leu). This variant is not present in population databases (gnomAD no frequency). This variant has not been reported in the literature in individuals affected with MAGEL2-related conditions. Experimental studies and prediction algorithms are not available or were not evaluated, and the functional significance of this variant is currently unknown. In summary, the available evidence is currently insufficient to determine the role of this variant in disease. Therefore, it has been classified as a Variant of Uncertain Significance.